The following is an entry in ClinVar:

ClinVar aggregate classification (germline): Pathogenic (1 of 4 stars; one submission).

Conditions:
Intellectual disability-hypotonic facies syndrome, X-linked, 1 (MRXHF1). Also called: XLMR-HYPOTONIC FACIES SYNDROME; Smith Fineman Myers syndrome 1; X-linked intellectual disability-hypotonic face syndrome; CHUDLEY-LOWRY SYNDROME; Chudley syndrome 1; Chudley-Lowry-Hoar syndrome. Identifiers: Orphanet 73220, Orphanet 93970, Orphanet 93971, Orphanet 93972, Orphanet 93973, Orphanet 93974, Orphanet 93975, MedGen C4759781, MONDO:0010663, OMIM 309580.

Submission:

Molecular Genetics Laboratory, Motol Hospital
Classification: Pathogenic for Intellectual disability-hypotonic facies syndrome, X-linked, 1. Last evaluated: 2025-11-28. Review status: criteria provided, single submitter. Criteria: ACMG Guidelines, 2015. Collection method: clinical testing. Allele origin: de novo. Affected: yes. Observed: 1 variant allele.
Comment: Not present in gnomAD (v4.1.0), dbSNP or ClinVar (PM2). Rare hemizygous variants affecting the ATRX gene are associated with X-linked recessive intellectual disability-hypotonic facies syndrome (MRXHF1; MIM:309580; PMID:34524523;PMID:16722615;PMID:18409179;PMID:24166814). The non-truncating variant is located in a mutational hotspot in the exon 7 of the ATRX gene (PM1). Different amino acid change c.565C>T is a known pathogenic variant (ClinVar Accession: VCV001679127.1). To conclude, the variant c.567C>A is classified as pathogenic (PS2, PM2, PM1, PM5, PP2, PP3).

NM_000489.6(ATRX):c.567C>A (p.His189Gln)

Gene: ATRX (ATRX chromatin remodeler; minus strand). Cytogenetic location: Xq21.1.
Variant type: single nucleotide variant.
Coding change: c.567C>A on transcript NM_000489.6 (MANE Select); coding-DNA position 567, C replaced by A.
Protein change: p.His189Gln; replaces histidine 189 with glutamine.
Molecular consequence: missense variant.
Genome position (GRCh38, 1-based): chrX:77,688,845, G>T on the plus strand (C>A on the coding strand, the complement: ATRX is on the minus strand). VCF-style: chrX-77688845-G-T. GRCh37 (hg19) VCF-style: chrX-76944338-G-T.
Other names: c.453C>A, p.His151Gln (NM_138270.5); short protein forms H151Q, H189Q.
Identifiers: ClinVar variation 4532784 (VCV004532784.2).